The following is an entry in ClinVar:

ClinVar aggregate classification (germline): Uncertain significance (1 of 4 stars; one submission).

Conditions:
Tuberous sclerosis 1 (TSC1). Identifiers: Orphanet 805, MedGen C1854465, MONDO:0008612, OMIM 191100.

Submission:

Labcorp Genetics (formerly Invitae), Labcorp
Classification: Uncertain significance for Tuberous sclerosis 1. Last evaluated: 2023-12-13. Review status: criteria provided, single submitter. Criteria: Invitae Variant Classification Sherloc (09022015). Collection method: clinical testing. Allele origin: germline.
Comment: This sequence change replaces asparagine, which is neutral and polar, with serine, which is neutral and polar, at codon 532 of the TSC1 protein (p.Asn532Ser). This variant is not present in population databases (gnomAD no frequency). This variant has not been reported in the literature in individuals affected with TSC1-related conditions. Advanced modeling of protein sequence and biophysical properties (such as structural, functional, and spatial information, amino acid conservation, physicochemical variation, residue mobility, and thermodynamic stability) performed at Invitae indicates that this missense variant is not expected to disrupt TSC1 protein function with a negative predictive value of 95%. In summary, the available evidence is currently insufficient to determine the role of this variant in disease. Therefore, it has been classified as a Variant of Uncertain Significance.

NM_000368.5(TSC1):c.1595A>G (p.Asn532Ser)

Gene: TSC1 (TSC complex subunit 1; minus strand). Cytogenetic location: 9q34.13.
Variant type: single nucleotide variant.
Coding change: c.1595A>G on transcript NM_000368.5 (MANE Select); coding-DNA position 1595, A replaced by G.
Protein change: p.Asn532Ser; replaces asparagine 532 with serine.
Molecular consequence: missense variant. On other transcripts: non-coding transcript variant (5).
Genome position (GRCh38, 1-based): chr9:132,905,983, T>C on the plus strand (A>G on the coding strand, the complement: TSC1 is on the minus strand). VCF-style: chr9-132905983-T-C. GRCh37 (hg19) VCF-style: chr9-135781370-T-C.
Other names: c.1592A>G, p.Asn531Ser (NM_001162426.2, NM_001406597.1, NM_001406598.1 and 6 more transcripts); c.1442A>G, p.Asn481Ser (NM_001162427.2, NM_001406610.1); c.1232A>G, p.Asn411Ser (NM_001362177.2, NM_001406624.1, NM_001406614.1 and 5 more transcripts); c.1595A>G, p.Asn532Ser (NM_001406592.1, NM_001406593.1, NM_001406594.1 and 7 more transcripts); c.1439A>G, p.Asn480Ser (NM_001406611.1, NM_001406612.1, NM_001406613.1); c.1229A>G, p.Asn410Ser (NM_001406623.1, NM_001406625.1, NM_001406620.1 and 2 more transcripts); c.644A>G, p.Asn215Ser (NM_001406626.1); c.641A>G, p.Asn214Ser (NM_001406627.1, NM_001406628.1); and 1 more; short protein forms N214S, N181S, N215S, N531S, N411S, N532S, N410S, N480S.
Identifiers: ClinVar variation 2702726 (VCV002702726.3), dbSNP rs1588310457, ClinGen allele CA375364850.
Genomic context (GRCh38, chr9:132,905,983, plus strand): 5'-AAGGCTTGCTTTGGTGTGTCAGGCCCAAGCTTGTCCAGGGAGGAGTGTAAAGGCTCAGGG[T>C]TCACGCTGGCGCCCTGAGAACTGGAGGCTGCCGAGTGGGTCTTCCGCTGAGAACCTGGGA-3'
Protein context (NP_000359.1, residues 522-542): AASSSQGASV[Asn532Ser]PEPLHSSLDK